The following is an entry in ClinVar:

ClinVar aggregate classification (germline): Uncertain significance (1 of 4 stars; one submission).

Conditions:
Familial focal epilepsy with variable foci (FPEVF). Identifiers: Orphanet 98820, MedGen C1858477, MONDO:0020310.

Submission:

Labcorp Genetics (formerly Invitae), Labcorp
Classification: Uncertain significance for Familial focal epilepsy with variable foci. Last evaluated: 2020-02-21. Review status: criteria provided, single submitter. Criteria: Invitae Variant Classification Sherloc (09022015). Collection method: clinical testing. Allele origin: germline.
Comment: This sequence change replaces cysteine with arginine at codon 1580 of the DEPDC5 protein (p.Cys1580Arg). The cysteine residue is highly conserved and there is a large physicochemical difference between cysteine and arginine. This variant is not present in population databases (ExAC no frequency). This variant has been observed in individual(s) affected with focal seizures (Invitae). It has also been observed to segregate with disease in related individuals. Algorithms developed to predict the effect of missense changes on protein structure and function are either unavailable or do not agree on the potential impact of this missense change (SIFT: "Deleterious"; PolyPhen-2: "Not Available"; Align-GVGD: "Class C0"). In summary, the available evidence is currently insufficient to determine the role of this variant in disease. Therefore, it has been classified as a Variant of Uncertain Significance.

NM_001242896.3(DEPDC5):c.4738T>C (p.Cys1580Arg)

Gene: DEPDC5 (DEP domain containing 5, GATOR1 subcomplex subunit; plus strand). Cytogenetic location: 22q12.3.
Variant type: single nucleotide variant.
Coding change: c.4738T>C on transcript NM_001242896.3 (MANE Select); coding-DNA position 4738, T replaced by C.
Protein change: p.Cys1580Arg; replaces cysteine 1580 with arginine.
Molecular consequence: missense variant. On other transcripts: non-coding transcript variant (5).
Genome position (GRCh38, 1-based): chr22:31,906,423, T>C. VCF-style: chr22-31906423-T-C. GRCh37 (hg19) VCF-style: chr22-32302409-T-C.
Other names: c.4711T>C, p.Cys1571Arg (NM_001136029.4); c.4438T>C, p.Cys1480Arg (NM_001242897.2); c.4672T>C, p.Cys1558Arg (NM_001363852.2, NM_001364320.2); c.4504T>C, p.Cys1502Arg (NM_001363854.2, NM_001364319.2); c.4738T>C, p.Cys1580Arg (NM_001364318.2); c.4654T>C, p.Cys1552Arg (NM_001369901.1, NM_001369902.1); c.4645T>C, p.Cys1549Arg (NM_001369903.1, NM_014662.6); short protein forms C1552R, C1571R, C1480R, C1502R, C1549R, C1558R, C1580R.
Identifiers: ClinVar variation 853248 (VCV000853248.9), dbSNP rs2093760699, ClinGen allele CA411293182.